The following is an entry in ClinVar:

ClinVar aggregate classification (germline): Uncertain significance (1 of 4 stars; one submission).

Conditions:
Long QT syndrome (LQTS). Identifiers: MedGen C0023976, MeSH D008133, MONDO:0002442. Disease mechanism: loss of function. Inheritance: Various modes of inheritance.

gnomAD v4.1: 3 of 1,114,232 alleles (0.00027%); highest among the groups gnomAD compares: South Asian, 0.011%; no homozygotes.

Submission:

Labcorp Genetics (formerly Invitae), Labcorp
Classification: Uncertain significance for Long QT syndrome. Last evaluated: 2024-05-04. Review status: criteria provided, single submitter. Criteria: Invitae Variant Classification Sherloc (09022015). Collection method: clinical testing. Allele origin: germline.
Comment: This sequence change replaces alanine, which is neutral and non-polar, with threonine, which is neutral and polar, at codon 10 of the KCNQ1 protein (p.Ala10Thr). The frequency data for this variant in the population databases is considered unreliable, as metrics indicate insufficient coverage at this position in the gnomAD database. This variant has not been reported in the literature in individuals affected with KCNQ1-related conditions. Algorithms developed to predict the effect of missense changes on protein structure and function output the following: SIFT: "Not Available"; PolyPhen-2: "Benign"; Align-GVGD: "Not Available". The threonine amino acid residue is found in multiple mammalian species, which suggests that this missense change does not adversely affect protein function. In summary, the available evidence is currently insufficient to determine the role of this variant in disease. Therefore, it has been classified as a Variant of Uncertain Significance.

NM_000218.3(KCNQ1):c.28G>A (p.Ala10Thr)

Gene: KCNQ1 (potassium voltage-gated channel subfamily Q member 1; plus strand). Cytogenetic location: 11p15.5.
Variant type: single nucleotide variant.
Coding change: c.28G>A on transcript NM_000218.3 (MANE Select); coding-DNA position 28, G replaced by A.
Protein change: p.Ala10Thr; replaces alanine 10 with threonine.
Molecular consequence: missense variant. On other transcripts: 5 prime UTR variant (1).
Genome position (GRCh38, 1-based): chr11:2,445,126, G>A. VCF-style: chr11-2445126-G-A. GRCh37 (hg19) VCF-style: chr11-2466356-G-A.
Other names: c.28G>A, p.Ala10Thr (NM_001406836.1, NM_001406838.1); c.-335G>A (NM_001406837.1); short protein forms A10T.
Identifiers: ClinVar variation 2889396 (VCV002889396.3), dbSNP rs1477225534, ClinGen allele CA379115752.